The following is an entry in ClinVar:

ClinVar aggregate classification (germline): Uncertain significance (1 of 4 stars; one submission).

Conditions:
Early-infantile DEE. Also called: Early infantile epileptic encephalopathy; Early infantile epileptic encephalopathy with suppression bursts; Ohtahara syndrome. Identifiers: Orphanet 1934, MedGen C0393706, MONDO:0800491.

Submission:

Labcorp Genetics (formerly Invitae), Labcorp
Classification: Uncertain significance for Early-infantile DEE. Last evaluated: 2024-09-30. Review status: criteria provided, single submitter. Criteria: Invitae Variant Classification Sherloc (09022015). Collection method: clinical testing. Allele origin: germline.
Comment: This sequence change replaces glutamine, which is neutral and polar, with leucine, which is neutral and non-polar, at codon 737 of the HCN1 protein (p.Gln737Leu). This variant is not present in population databases (gnomAD no frequency). This variant has not been reported in the literature in individuals affected with HCN1-related conditions. Invitae Evidence Modeling of protein sequence and biophysical properties (such as structural, functional, and spatial information, amino acid conservation, physicochemical variation, residue mobility, and thermodynamic stability) indicates that this missense variant is not expected to disrupt HCN1 protein function with a negative predictive value of 95%. In summary, the available evidence is currently insufficient to determine the role of this variant in disease. Therefore, it has been classified as a Variant of Uncertain Significance.

NM_021072.4(HCN1):c.2210A>T (p.Gln737Leu)

Gene: HCN1 (hyperpolarization activated cyclic nucleotide gated potassium channel 1; minus strand). Cytogenetic location: 5p12.
Variant type: single nucleotide variant.
Coding change: c.2210A>T on transcript NM_021072.4 (MANE Select); coding-DNA position 2210, A replaced by T.
Protein change: p.Gln737Leu; replaces glutamine 737 with leucine.
Molecular consequence: missense variant.
Genome position (GRCh38, 1-based): chr5:45,262,384, T>A on the plus strand (A>T on the coding strand, the complement: HCN1 is on the minus strand). VCF-style: chr5-45262384-T-A. GRCh37 (hg19) VCF-style: chr5-45262486-T-A.
Other names: short protein forms Q737L.
Identifiers: ClinVar variation 2811984 (VCV002811984.3), dbSNP rs2478182097, ClinGen allele CA359703818.
Genomic context (GRCh38, chr5:45,262,384, plus strand): 5'-GTCTGTGGCTGCGGGGACGGCTGCTGTGGCTGAGTCTGCGGCGGCTGGGACTGCTGTACC[T>A]GCTGCTGCGGCTGCTGTTGCATGAGTGACAGCTGGGAGGCGGTGGGGGAGGCATAGTGGA-3'
Protein context (NP_066550.2, residues 727-747): LSLMQQQPQQ[Gln737Leu]VQQSQPPQTQ